The following is an entry in ClinVar:

ClinVar aggregate classification (germline): Uncertain significance (1 of 4 stars; one submission).

Allele frequency attached by ClinVar (database versions not stated): ExAC 0.00003; TOPMed 0.00003; gnomAD 0.00005 and 0.00006; gnomAD exomes 0.00007.
gnomAD v4.1: 213 of 1,614,140 alleles (0.013%); highest among the groups gnomAD compares: Non-Finnish European, 0.018%; no homozygotes.

Submission:

Labcorp Genetics (formerly Invitae), Labcorp
Classification: Uncertain significance. Last evaluated: 2025-11-13. Review status: criteria provided, single submitter. Criteria: Invitae Variant Classification Sherloc (09022015). Collection method: clinical testing. Allele origin: germline.
Comment: This sequence change replaces proline, which is neutral and non-polar, with glutamine, which is neutral and polar, at codon 208 of the IRF4 protein (p.Pro208Gln). This variant is present in population databases (rs757910134, gnomAD 0.01%). This variant has not been reported in the literature in individuals affected with IRF4-related conditions. ClinVar contains an entry for this variant (Variation ID: 1405517). An algorithm developed to predict the effect of missense changes on protein structure and function (PolyPhen-2) suggests that this variant is likely to be tolerated. In summary, the available evidence is currently insufficient to determine the role of this variant in disease. Therefore, it has been classified as a Variant of Uncertain Significance.

NM_002460.4(IRF4):c.623C>A (p.Pro208Gln)

Gene: IRF4 (interferon regulatory factor 4; plus strand). Cytogenetic location: 6p25.3.
Variant type: single nucleotide variant.
Coding change: c.623C>A on transcript NM_002460.4 (MANE Select); coding-DNA position 623, C replaced by A.
Protein change: p.Pro208Gln; replaces proline 208 with glutamine.
Molecular consequence: missense variant. On other transcripts: non-coding transcript variant (1).
Genome position (GRCh38, 1-based): chr6:397,238, C>A. VCF-style: chr6-397238-C-A. GRCh37 (hg19) VCF-style: chr6-397238-C-A.
Other names: c.620C>A, p.Pro207Gln (NM_001195286.2); short protein forms P207Q, P208Q.
Identifiers: ClinVar variation 1405517 (VCV001405517.9), dbSNP rs757910134, ClinGen allele CA3612751.
Genomic context (GRCh38, chr6:397,238, plus strand): 5'-CGGAAATCCCGTACCAATGTCCCATGACGTTTGGACCCCGCGGCCACCACTGGCAAGGCC[C>A]AGCTTGTGAAAATGGTAAGGAGGATACCAGTGCAGGAAATAGAAGAGCTAATTGCTAATG-3'
Protein context (NP_002451.2, residues 198-218): FGPRGHHWQG[Pro208Gln]ACENGCQVTG